The following is an entry in ClinVar:

NM_032608.7(MYO18B):c.4607T>A (p.Leu1536Gln)

Genes: MYO18B (myosin XVIIIB; plus strand), MYO18B-AS1 (MYO18B antisense RNA 1; minus strand). Cytogenetic location: 22q12.1.
Variant type: single nucleotide variant.
Coding change: c.4607T>A on transcript NM_032608.7 (MANE Select); coding-DNA position 4607, T replaced by A.
Protein change: p.Leu1536Gln; replaces leucine 1536 with glutamine.
Molecular consequence: missense variant.
Genome position (GRCh38, 1-based): chr22:25,895,219, T>A. VCF-style: chr22-25895219-T-A. GRCh37 (hg19) VCF-style: chr22-26291186-T-A.
Other names: c.4610T>A, p.Leu1537Gln (NM_001318245.2); short protein forms L1537Q, L1536Q.
Identifiers: ClinVar variation 2114650 (VCV002114650.1), dbSNP rs2517817226, ClinGen allele CA411010182.

ClinVar aggregate classification (germline): Uncertain significance (1 of 4 stars; one submission).

Submission:

Labcorp Genetics (formerly Invitae), Labcorp
Classification: Uncertain significance. Last evaluated: 2022-06-25. Review status: criteria provided, single submitter. Criteria: Invitae Variant Classification Sherloc (09022015). Collection method: clinical testing. Allele origin: germline.
Comment: This sequence change replaces leucine, which is neutral and non-polar, with glutamine, which is neutral and polar, at codon 1536 of the MYO18B protein (p.Leu1536Gln). This variant is not present in population databases (gnomAD no frequency). This variant has not been reported in the literature in individuals affected with MYO18B-related conditions. Algorithms developed to predict the effect of missense changes on protein structure and function are either unavailable or do not agree on the potential impact of this missense change (SIFT: "Not Available"; PolyPhen-2: "Probably Damaging"; Align-GVGD: "Not Available"). In summary, the available evidence is currently insufficient to determine the role of this variant in disease. Therefore, it has been classified as a Variant of Uncertain Significance.